The following is an entry in ClinVar:

ClinVar aggregate classification (germline): Conflicting classifications of pathogenicity. Review status: criteria provided, conflicting classifications (1 of 4 stars). 3 submissions from 3 submitters: Pathogenic (1); Uncertain significance (1). 1 of the submissions does not count toward it. Last evaluated 2024-10-17.

Conditions:
Retinal dystrophy. Also called: Inherited retinal dystrophy. Identifiers: Orphanet 71862, MedGen C0854723, MeSH D058499, MONDO:0019118, HP:0000556.

Allele frequency attached by ClinVar (database versions not stated): gnomAD exomes below 0.00001.
gnomAD v4.1: 2 of 1,614,202 alleles (0.00012%); highest among the groups gnomAD compares: Non-Finnish European, 0.00017%; no homozygotes.

Submissions (3):

Labcorp Genetics (formerly Invitae), Labcorp
Classification: Pathogenic. Last evaluated: 2024-10-17. Review status: criteria provided, single submitter. Criteria: Invitae Variant Classification Sherloc (09022015). Collection method: clinical testing. Allele origin: germline.
Comment: This sequence change replaces isoleucine, which is neutral and non-polar, with asparagine, which is neutral and polar, at codon 1100 of the ABCA4 protein (p.Ile1100Asn). This variant is not present in population databases (gnomAD no frequency). This missense change has been observed in individuals with inherited retinal dystrophy (PMID: 23982839, 32581362). ClinVar contains an entry for this variant (Variation ID: 438094). Invitae Evidence Modeling of protein sequence and biophysical properties (such as structural, functional, and spatial information, amino acid conservation, physicochemical variation, residue mobility, and thermodynamic stability) indicates that this missense variant is expected to disrupt ABCA4 protein function with a positive predictive value of 95%. This variant disrupts the p.Ile1100 amino acid residue in ABCA4. Other variant(s) that disrupt this residue have been determined to be pathogenic (internal data). This suggests that this residue is clinically significant, and that variants that disrupt this residue are likely to be disease-causing. For these reasons, this variant has been classified as Pathogenic.

Blueprint Genetics
Classification: Uncertain significance. Last evaluated: 2022-04-25. Review status: criteria provided, single submitter. Criteria: ACMG Guidelines, 2015. Collection method: clinical testing. Allele origin: germline.

NIHR Bioresource Rare Diseases, University of Cambridge
Classification: Likely pathogenic for Retinal dystrophy. Last evaluated: 2015-01-01. Review status: no assertion criteria provided. Collection method: research. Allele origin: unknown. Affected: yes. Observed: 1 variant allele. Not counted in ClinVar's aggregate classification.

Literature cited by the submitters: PubMed 23982839 (cited by Labcorp Genetics (formerly Invitae), Labcorp and NIHR Bioresource Rare Diseases, University of Cambridge); PubMed 32581362 (cited by Labcorp Genetics (formerly Invitae), Labcorp); PubMed 28041643 (cited by NIHR Bioresource Rare Diseases, University of Cambridge).

NM_000350.3(ABCA4):c.3299T>A (p.Ile1100Asn)

Gene: ABCA4 (ATP binding cassette subfamily A member 4; minus strand). Cytogenetic location: 1p22.1.
Variant type: single nucleotide variant.
Coding change: c.3299T>A on transcript NM_000350.3 (MANE Select); coding-DNA position 3299, T replaced by A.
Protein change: p.Ile1100Asn; replaces isoleucine 1100 with asparagine.
Molecular consequence: missense variant.
Genome position (GRCh38, 1-based): chr1:94,042,790, A>T on the plus strand (T>A on the coding strand, the complement: ABCA4 is on the minus strand). VCF-style: chr1-94042790-A-T. GRCh37 (hg19) VCF-style: chr1-94508346-A-T.
Other names: c.3077T>A, p.Ile1026Asn (NM_001425324.1); short protein forms I1100N, I1026N.
Identifiers: ClinVar variation 438094 (VCV000438094.9), dbSNP rs1553190559, ClinGen allele CA341291996.
Genomic context (GRCh38, chr1:94,042,790, plus strand): 5'-CCAGCCCAGGAGACTGAGCAGCAGCTGTTACCTGAGCGATACTTCAGGAGCAGATCCCAG[A>T]TTGAGCGTCTCGAGTAAGGGTCCACCCCAGAGGTGGGTTCGTCCAGAATCACCACCTTGG-3'
Protein context (NP_000341.2, residues 1090-1110): SGVDPYSRRS[Ile1100Asn]WDLLLKYRSG